The following is an entry in ClinVar:

ClinVar aggregate classification (germline): Conflicting classifications of pathogenicity. Review status: criteria provided, conflicting classifications (1 of 4 stars). 3 submissions from 3 submitters: Uncertain significance (2); Likely benign (1). Last evaluated 2024-11-04.

Conditions:
ABCG8-related disorder. Also called: ABCG8-related condition.

Allele frequency attached by ClinVar (database versions not stated): ExAC 0.00003; gnomAD 0.00003 and 0.00001; TOPMed 0.00007; ESP Exome Variant Server 0.00008.
gnomAD v4.1: 51 of 1,613,950 alleles (0.0032%); highest among the groups gnomAD compares: East Asian, 0.033%; 1 homozygote.

Submissions (3):

PreventionGenetics, part of Exact Sciences
Classification: Likely benign for ABCG8-related condition. Last evaluated: 2024-11-04. Review status: criteria provided, single submitter. Criteria: ACMG Guidelines, 2015. Collection method: clinical testing. Allele origin: germline.
Comment: This variant is classified as likely benign based on ACMG/AMP sequence variant interpretation guidelines (Richards et al. 2015 PMID: 25741868, with internal and published modifications).

Women's Health and Genetics/Laboratory Corporation of America, LabCorp
Classification: Uncertain significance. Last evaluated: 2024-07-27. Review status: criteria provided, single submitter. Criteria: LabCorp Variant Classification Summary - May 2015. Collection method: clinical testing. Allele origin: germline.

Labcorp Genetics (formerly Invitae), Labcorp
Classification: Uncertain significance. Last evaluated: 2021-09-01. Review status: criteria provided, single submitter. Criteria: Invitae Variant Classification Sherloc (09022015). Collection method: clinical testing. Allele origin: germline.
Comment: In summary, the available evidence is currently insufficient to determine the role of this variant in disease. Therefore, it has been classified as a Variant of Uncertain Significance. Variants that disrupt the consensus splice site are a relatively common cause of aberrant splicing (PMID: 17576681, 9536098). Algorithms developed to predict the effect of sequence changes on RNA splicing suggest that this variant is not likely to affect RNA splicing. This variant has not been reported in the literature in individuals affected with ABCG8-related conditions. This variant is present in population databases (rs377340438, ExAC 0.006%). This sequence change falls in intron 3 of the ABCG8 gene. It does not directly change the encoded amino acid sequence of the ABCG8 protein. It affects a nucleotide within the consensus splice site of the intron.

Literature cited by the submitters: PubMed 17576681 (cited by Labcorp Genetics (formerly Invitae), Labcorp); PubMed 9536098 (cited by Labcorp Genetics (formerly Invitae), Labcorp).

NM_022437.3(ABCG8):c.322+5C>T

Gene: ABCG8 (ATP binding cassette subfamily G member 8; plus strand). Cytogenetic location: 2p21.
Variant type: single nucleotide variant.
Coding change: c.322+5C>T on transcript NM_022437.3 (MANE Select); 5 bases into the intron after coding-DNA position 322, C replaced by T.
Molecular consequence: intron variant.
Genome position (GRCh38, 1-based): chr2:43,846,316, C>T. VCF-style: chr2-43846316-C-T. GRCh37 (hg19) VCF-style: chr2-44073455-C-T.
Other names: c.322+5C>T (NM_001357321.2, NM_022437.2).
Identifiers: ClinVar variation 1424643 (VCV001424643.6), dbSNP rs377340438, ClinGen allele CA1636963.